The following is an entry in ClinVar:

ClinVar aggregate classification (germline): Uncertain significance. Review status: criteria provided, multiple submitters, no conflicts (2 of 4 stars). 2 submissions from 2 submitters: Uncertain significance (2). Last evaluated 2024-09-26.

Conditions:
Osteogenesis imperfecta type I (OI1). Also called: OI, TYPE I; OSTEOGENESIS IMPERFECTA TARDA; OSTEOGENESIS IMPERFECTA WITH BLUE SCLERAE; Osteogenesis imperfecta type 1; Lobstein's Disease; Lobstein disease. Identifiers: Orphanet 216796, Orphanet 666, MedGen C0023931, MONDO:0008146, OMIM 166200. Disease mechanism: loss of function.
Cardiovascular phenotype. Identifiers: MedGen CN230736.

gnomAD v4.1: 7 of 1,613,926 alleles (0.00043%); highest among the groups gnomAD compares: Non-Finnish European, 0.00059%; no homozygotes.

Submissions (2):

Ambry Genetics
Classification: Uncertain significance for Cardiovascular phenotype. Last evaluated: 2024-09-26. Review status: criteria provided, single submitter. Criteria: Ambry Variant Classification Scheme 2023. Collection method: clinical testing. Allele origin: germline.
Comment: The p.A610S variant (also known as c.1828G>T), located in coding exon 27 of the COL1A1 gene, results from a G to T substitution at nucleotide position 1828. The alanine at codon 610 is replaced by serine, an amino acid with similar properties. This amino acid position is not well conserved in available vertebrate species. In addition, this alteration is predicted to be tolerated by in silico analysis. Based on the available evidence, the clinical significance of this variant remains unclear.

Labcorp Genetics (formerly Invitae), Labcorp
Classification: Uncertain significance for Osteogenesis imperfecta type I. Last evaluated: 2022-06-13. Review status: criteria provided, single submitter. Criteria: Invitae Variant Classification Sherloc (09022015). Collection method: clinical testing. Allele origin: germline.
Comment: This variant is not present in population databases (gnomAD no frequency). This variant has not been reported in the literature in individuals affected with COL1A1-related conditions. Advanced modeling of protein sequence and biophysical properties (such as structural, functional, and spatial information, amino acid conservation, physicochemical variation, residue mobility, and thermodynamic stability) performed at Invitae indicates that this missense variant is not expected to disrupt COL1A1 protein function. In summary, the available evidence is currently insufficient to determine the role of this variant in disease. Therefore, it has been classified as a Variant of Uncertain Significance. This sequence change replaces alanine, which is neutral and non-polar, with serine, which is neutral and polar, at codon 610 of the COL1A1 protein (p.Ala610Ser).

NM_000088.4(COL1A1):c.1828G>T (p.Ala610Ser)

Gene: COL1A1 (collagen type I alpha 1 chain; minus strand). Cytogenetic location: 17q21.33.
Variant type: single nucleotide variant.
Coding change: c.1828G>T on transcript NM_000088.4 (MANE Select); coding-DNA position 1828, G replaced by T.
Protein change: p.Ala610Ser; replaces alanine 610 with serine.
Molecular consequence: missense variant.
Genome position (GRCh38, 1-based): chr17:50,192,844, C>A on the plus strand (G>T on the coding strand, the complement: COL1A1 is on the minus strand). VCF-style: chr17-50192844-C-A. GRCh37 (hg19) VCF-style: chr17-48270205-C-A.
Other names: short protein forms A610S.
Identifiers: ClinVar variation 2180923 (VCV002180923.5), dbSNP rs1016862662, ClinGen allele CA400214855.